The following is an entry in ClinVar:

NM_013352.4(DSE):c.2465T>C (p.Val822Ala)

Gene: DSE (dermatan sulfate epimerase; plus strand). Cytogenetic location: 6q22.1.
Variant type: single nucleotide variant.
Coding change: c.2465T>C on transcript NM_013352.4 (MANE Select); coding-DNA position 2465, T replaced by C.
Protein change: p.Val822Ala; replaces valine 822 with alanine.
Molecular consequence: missense variant. On other transcripts: 3 prime UTR variant (2), non-coding transcript variant (1).
Genome position (GRCh38, 1-based): chr6:116,436,933, T>C. VCF-style: chr6-116436933-T-C. GRCh37 (hg19) VCF-style: chr6-116758096-T-C.
Other names: c.2465T>C, p.Val822Ala (NM_001080976.3, NM_001322937.2, NM_001322938.2); c.2522T>C, p.Val841Ala (NM_001322939.2); c.1904T>C, p.Val635Ala (NM_001322940.2, NM_001322941.2); c.*1330T>C (NM_001322943.2, NM_001322944.2); c.1466T>C, p.Val489Ala (NM_001374520.1); c.1430T>C, p.Val477Ala (NM_001374521.1); short protein forms V635A, V489A, V822A, V841A, V477A.
Identifiers: ClinVar variation 1390725 (VCV001390725.6), dbSNP rs778282572, ClinGen allele CA3969821.
Genomic context (GRCh38, chr6:116,436,933, plus strand): 5'-AGCAAAGCAAGTCAAAGAAAAACCGAAGGGCAGGCAAACGCTATAAATTTGTGGATGCTG[T>C]CCCTGATATTTTTGCACAGATTGAAGTCAATGAGAAAAAGATTAGACAGAAAGCTCAGAT-3'
Protein context (NP_037484.1, residues 812-832): AGKRYKFVDA[Val822Ala]PDIFAQIEVN

ClinVar aggregate classification (germline): Uncertain significance (1 of 4 stars; one submission).

Conditions:
Ehlers-Danlos syndrome, musculocontractural type 2 (EDSMC2). Identifiers: Orphanet 2953, MedGen C3809845, MONDO:0014236, OMIM 615539.

Allele frequency attached by ClinVar (database versions not stated): gnomAD exomes below 0.00001 and 0.00001; ExAC 0.00001.
gnomAD v4.1: 13 of 1,614,018 alleles (0.00081%); highest among the groups gnomAD compares: Non-Finnish European, 0.0011%; no homozygotes.

Submission:

Labcorp Genetics (formerly Invitae), Labcorp
Classification: Uncertain significance for Ehlers-Danlos syndrome, musculocontractural type 2. Last evaluated: 2021-08-10. Review status: criteria provided, single submitter. Criteria: Invitae Variant Classification Sherloc (09022015). Collection method: clinical testing. Allele origin: germline.
Comment: This sequence change replaces valine with alanine at codon 822 of the DSE protein (p.Val822Ala). The valine residue is moderately conserved and there is a small physicochemical difference between valine and alanine. In summary, the available evidence is currently insufficient to determine the role of this variant in disease. Therefore, it has been classified as a Variant of Uncertain Significance. Algorithms developed to predict the effect of missense changes on protein structure and function are either unavailable or do not agree on the potential impact of this missense change (SIFT: "Not Available"; PolyPhen-2: "Benign"; Align-GVGD: "Not Available"). This variant has not been reported in the literature in individuals affected with DSE-related conditions. This variant is present in population databases (rs778282572, ExAC 0.002%).